The following is an entry in ClinVar:

ClinVar aggregate classification (germline): Uncertain significance. Review status: criteria provided, multiple submitters, no conflicts (2 of 4 stars). 4 submissions from 4 submitters: Uncertain significance (4). Last evaluated 2025-09-08.

Conditions:
Inborn genetic diseases. Identifiers: MedGen C0950123, MeSH D030342.

Allele frequency attached by ClinVar (database versions not stated): ExAC 0.00002; ESP Exome Variant Server 0.00008; gnomAD 0.00009; 1000 Genomes Project 30x 0.00016; 1000 Genomes Project 0.00020.
gnomAD v4.1: 271 of 1,612,550 alleles (0.017%); highest among the groups gnomAD compares: Non-Finnish European, 0.022%; no homozygotes.

Submissions (4):

Labcorp Genetics (formerly Invitae), Labcorp
Classification: Uncertain significance. Last evaluated: 2025-09-08. Review status: criteria provided, single submitter. Criteria: Invitae Variant Classification Sherloc (09022015). Collection method: clinical testing. Allele origin: germline.
Comment: This sequence change replaces alanine, which is neutral and non-polar, with valine, which is neutral and non-polar, at codon 375 of the CEACAM16 protein (p.Ala375Val). This variant is present in population databases (rs369526797, gnomAD 0.007%). This variant has not been reported in the literature in individuals affected with CEACAM16-related conditions. ClinVar contains an entry for this variant (Variation ID: 1507670). An algorithm developed to predict the effect of missense changes on protein structure and function (PolyPhen-2) suggests that this variant is likely to be disruptive. In summary, the available evidence is currently insufficient to determine the role of this variant in disease. Therefore, it has been classified as a Variant of Uncertain Significance.

CeGaT Center for Human Genetics Tuebingen
Classification: Uncertain significance. Last evaluated: 2024-11-01. Review status: criteria provided, single submitter. Criteria: CeGaT Center For Human Genetics Tuebingen Variant Classification Criteria Version 2. Collection method: clinical testing. Allele origin: germline. Affected: yes. Observed: 1 variant allele.
Comment: CEACAM16: PM2:Supporting

GeneDx
Classification: Uncertain significance. Last evaluated: 2024-09-16. Review status: criteria provided, single submitter. Criteria: GeneDx Variant Classification Process June 2021. Collection method: clinical testing. Allele origin: germline. Affected: yes.
Comment: In silico analysis indicates that this missense variant does not alter protein structure/function; Has not been previously published as pathogenic or benign to our knowledge

Ambry Genetics
Classification: Uncertain significance for Inborn genetic diseases. Last evaluated: 2023-01-10. Review status: criteria provided, single submitter. Criteria: Ambry Variant Classification Scheme 2023. Collection method: clinical testing. Allele origin: germline.

NM_001039213.4(CEACAM16):c.1124C>T (p.Ala375Val)

Genes: CEACAM16 (CEA cell adhesion molecule 16, tectorial membrane component; plus strand), CEACAM16-AS1 (CEACAM16, CEACAM19 and PVR antisense RNA 1; minus strand). Cytogenetic location: 19q13.32.
Variant type: single nucleotide variant.
Coding change: c.1124C>T on transcript NM_001039213.4 (MANE Select); coding-DNA position 1124, C replaced by T.
Protein change: p.Ala375Val; replaces alanine 375 with valine.
Molecular consequence: missense variant.
Genome position (GRCh38, 1-based): chr19:44,708,044, C>T. VCF-style: chr19-44708044-C-T. GRCh37 (hg19) VCF-style: chr19-45211316-C-T.
Other names: c.1124C>T (NM_001039213.3, NM_001039213.2); short protein forms A375V.
Identifiers: ClinVar variation 1507670 (VCV001507670.21), dbSNP rs369526797, ClinGen allele CA9503238.